The following is an entry in ClinVar:

NM_000260.4(MYO7A):c.6629G>A (p.Gly2210Asp)

Gene: MYO7A (myosin VIIA; plus strand). Cytogenetic location: 11q13.5.
Variant type: single nucleotide variant.
Coding change: c.6629G>A on transcript NM_000260.4 (MANE Select); coding-DNA position 6629, G replaced by A.
Protein change: p.Gly2210Asp; replaces glycine 2210 with aspartic acid.
Molecular consequence: missense variant.
Genome position (GRCh38, 1-based): chr11:77,214,677, G>A. VCF-style: chr11-77214677-G-A. GRCh37 (hg19) VCF-style: chr11-76925722-G-A.
Other names: c.6509G>A, p.Gly2170Asp (NM_001127180.2); c.6482G>A, p.Gly2161Asp (NM_001369365.1); short protein forms G2161D, G2170D, G2210D.
Identifiers: ClinVar variation 1809811 (VCV001809811.4), dbSNP rs765073964, ClinGen allele CA6199140.

ClinVar aggregate classification (germline): Uncertain significance. Review status: criteria provided, multiple submitters, no conflicts (2 of 4 stars). 3 submissions from 3 submitters: Uncertain significance (3). Last evaluated 2025-08-14.

Conditions:
MYO7A-related disorder. Also called: MYO7A-related disorders.

Allele frequency attached by ClinVar (database versions not stated): TOPMed below 0.00001; ExAC 0.00006.
gnomAD v4.1: 6 of 1,581,562 alleles (0.00038%); highest among the groups gnomAD compares: Admixed American, 0.0073%; no homozygotes.

Submissions (3):

PreventionGenetics, part of Exact Sciences
Classification: Uncertain significance for MYO7A-related condition. Last evaluated: 2025-08-14. Review status: criteria provided, single submitter. Criteria: ACMG Guidelines, 2015. Collection method: clinical testing. Allele origin: germline.
Comment: The MYO7A c.6629G>A variant is predicted to result in the amino acid substitution p.Gly2210Asp. To our knowledge, this variant has not been reported in the literature. This variant is reported in 0.014% of alleles in individuals of Latino descent in gnomAD. At this time, the clinical significance of this variant is uncertain due to the absence of conclusive functional and genetic evidence.

GeneDx
Classification: Uncertain significance. Last evaluated: 2022-06-27. Review status: criteria provided, single submitter. Criteria: GeneDx Variant Classification Process June 2021. Collection method: clinical testing. Allele origin: germline. Affected: yes.
Comment: In silico analysis supports that this missense variant does not alter protein structure/function; Has not been previously published as pathogenic or benign to our knowledge

Labcorp Genetics (formerly Invitae), Labcorp
Classification: Uncertain significance. Last evaluated: 2022-05-20. Review status: criteria provided, single submitter. Criteria: Invitae Variant Classification Sherloc (09022015). Collection method: clinical testing. Allele origin: germline.
Comment: This sequence change replaces glycine, which is neutral and non-polar, with aspartic acid, which is acidic and polar, at codon 2210 of the MYO7A protein (p.Gly2210Asp). The frequency data for this variant in the population databases is considered unreliable, as metrics indicate poor data quality at this position in the gnomAD database. This variant has not been reported in the literature in individuals affected with MYO7A-related conditions. Advanced modeling of protein sequence and biophysical properties (such as structural, functional, and spatial information, amino acid conservation, physicochemical variation, residue mobility, and thermodynamic stability) performed at Invitae indicates that this missense variant is not expected to disrupt MYO7A protein function. In summary, the available evidence is currently insufficient to determine the role of this variant in disease. Therefore, it has been classified as a Variant of Uncertain Significance.